The following is an entry in ClinVar:

ClinVar aggregate classification (germline): Uncertain significance (1 of 4 stars; one submission).

Conditions:
Glycogen storage disease, type II (IOPD). Also called: CARDIOMEGALIA GLYCOGENICA DIFFUSA; GLYCOGENOSIS, GENERALIZED, CARDIAC FORM; GSD II; POMPE DISEASE, INFANTILE-ONSET; GLYCOGEN STORAGE DISEASE II, INFANTILE-ONSET; ACID ALPHA-GLUCOSIDASE DEFICIENCY, INFANTILE-ONSET. Identifiers: Orphanet 365, MedGen C0017921, MONDO:0009290, OMIM 232300.

Submission:

Labcorp Genetics (formerly Invitae), Labcorp
Classification: Uncertain significance for Glycogen storage disease, type II. Last evaluated: 2022-09-06. Review status: criteria provided, single submitter. Criteria: Invitae Variant Classification Sherloc (09022015). Collection method: clinical testing. Allele origin: germline.
Comment: This sequence change falls in intron 4 of the GAA gene. It does not directly change the encoded amino acid sequence of the GAA protein. In summary, the available evidence is currently insufficient to determine the role of this variant in disease. Therefore, it has been classified as a Variant of Uncertain Significance. Algorithms developed to predict the effect of sequence changes on RNA splicing suggest that this variant may disrupt the consensus splice site. ClinVar contains an entry for this variant (Variation ID: 1379522). This variant has not been reported in the literature in individuals affected with GAA-related conditions. This variant is not present in population databases (gnomAD no frequency).

NM_000152.5(GAA):c.859-8T>G

Gene: GAA (alpha glucosidase; plus strand). Cytogenetic location: 17q25.3.
Variant type: single nucleotide variant.
Coding change: c.859-8T>G on transcript NM_000152.5 (MANE Select); 8 bases into the intron before coding-DNA position 859, T replaced by G.
Molecular consequence: intron variant.
Genome position (GRCh38, 1-based): chr17:80,107,792, T>G. VCF-style: chr17-80107792-T-G. GRCh37 (hg19) VCF-style: chr17-78081591-T-G.
Other names: c.859-8T>G (NM_001079803.3, NM_001079804.3).
Identifiers: ClinVar variation 1379522 (VCV001379522.8), dbSNP rs2143848824, ClinGen allele CA2573154943.
Genomic context (GRCh38, chr17:80,107,792, plus strand): 5'-CGGGCGGCGGGCGGGGGCACTGAGCTGGGGAGCGCAGGTGCTGAAGCGCCGTCTCCTGCA[T>G]GTCCCAGCCCGGTGCGAACCTCTACGGGTCTCACCCTTTCTACCTGGCGCTGGAGGACGG-3'